The following is an entry in ClinVar:

NM_001286577.2(C2CD3):c.1201del (p.Gln401fs)

Gene: C2CD3 (C2 domain containing 3 centriole elongation regulator; minus strand). Cytogenetic location: 11q13.4.
Variant type: Deletion.
Coding change: c.1201del on transcript NM_001286577.2 (MANE Select); coding-DNA position 1201, one base deleted (C; older notation c.1201delC).
Protein change: p.Gln401fs; shifts the reading frame from glutamine 401.
Molecular consequence: frameshift variant.
Genome position (GRCh38, 1-based): chr11:74,132,860, G deleted on the plus strand (C on the coding strand, the reverse complement: C2CD3 is on the minus strand). VCF-style (leftmost placement, unchanged base first): chr11-74132859-TG-T. GRCh37 (hg19) VCF-style: chr11-73843904-TG-T.
Other names: c.1201del, p.Gln401fs (NM_015531.6); short protein forms Q401fs.
Identifiers: ClinVar variation 3025764 (VCV003025764.22), dbSNP rs1356626353, ClinGen allele CA680180708.

ClinVar aggregate classification (germline): Pathogenic (1 of 4 stars; one submission).

Allele frequency attached by ClinVar (database versions not stated): gnomAD exomes below 0.00001; gnomAD 0.00001; TOPMed 0.00002.

Submission:

CeGaT Center for Human Genetics Tuebingen
Classification: Pathogenic. Last evaluated: 2023-12-01. Review status: criteria provided, single submitter. Criteria: CeGaT Center For Human Genetics Tuebingen Variant Classification Criteria Version 2. Collection method: clinical testing. Allele origin: germline. Affected: yes. Observed: 1 variant allele.
Comment: C2CD3: PVS1, PM2